The following is an entry in ClinVar:

NM_025137.4(SPG11):c.3662_3665del (p.Ile1221fs)

Gene: SPG11 (SPG11 vesicle trafficking associated, spatacsin; minus strand). Cytogenetic location: 15q21.1.
Variant type: Deletion.
Coding change: c.3662_3665del on transcript NM_025137.4 (MANE Select); coding-DNA positions 3662 to 3665, 4 bases deleted (TCAA; older notation c.3662_3665delTCAA).
Protein change: p.Ile1221fs; shifts the reading frame from isoleucine 1221.
Molecular consequence: frameshift variant.
Genome position (GRCh38, 1-based): chr15:44,600,488-44,600,491, TTGA deleted on the plus strand (TCAA on the coding strand, the reverse complement: SPG11 is on the minus strand); deleting any 4 consecutive bases within chr15:44,600,488-44,600,493 gives the same sequence; the c. name uses the placement nearest the transcript's 3' end. VCF-style (leftmost placement, unchanged base first): chr15-44600487-CTTGA-C. GRCh37 (hg19) VCF-style: chr15-44892685-CTTGA-C.
Other names: c.3662_3665del, p.Ile1221fs (NM_001160227.2, NM_001411132.1); c.3662_3665del (NM_025137.3); c.3662_3665delTCAA (NM_025137.4); short protein forms I1221fs.
Identifiers: ClinVar variation 2910374 (VCV002910374.5), dbSNP rs1473836469, ClinGen allele CA617678922.
Genomic context (GRCh38, chr15:44,600,487, plus strand): 5'-AACCACTGTACCCAGACAAAATTATATTTTAAATACTCACAGCTGCTTGGGAGTCTTGCT[CTTGA>C]TTAATTCCTGGACCAGAAAAGTACCAAATGCAAATGATGGCCGCCCATTATGTAAATAAT-3'

ClinVar aggregate classification (germline): Pathogenic. Review status: criteria provided, multiple submitters, no conflicts (2 of 4 stars). 3 submissions from 3 submitters: Pathogenic (3). Last evaluated 2024-11-14.

Conditions:
Hereditary spastic paraplegia. Also called: Familial spastic paraparesis. Identifiers: Orphanet 685, MedGen C0037773, MONDO:0019064. Disease mechanism: loss of function.
Hereditary spastic paraplegia 11. Also called: Nakamura Osame syndrome; Autosomal recessive hereditary spastic paraplegia, mental impairment, and thin corpus callosum; SPASTIC PARAPLEGIA, AUTOSOMAL RECESSIVE, COMPLICATED, WITH THIN CORPUS CALLOSUM; SPASTIC PARAPLEGIA, AUTOSOMAL RECESSIVE, WITH MENTAL IMPAIRMENT AND THIN CORPUS CALLOSUM; Spastic paraplegia, mental retardation and thin corpus callosum; Spastic Paraplegia 11. Identifiers: Orphanet 2822, MedGen C1858479, MONDO:0011445, OMIM 604360.

Submissions (3):

GeneDx
Classification: Pathogenic. Last evaluated: 2024-11-14. Review status: criteria provided, single submitter. Criteria: GeneDx Variant Classification Process June 2021. Collection method: clinical testing. Allele origin: germline. Affected: yes.
Comment: Frameshift variant predicted to result in protein truncation or nonsense mediated decay in a gene for which loss of function is a known mechanism of disease; Not observed at significant frequency in large population cohorts (gnomAD); This variant is associated with the following publications: (PMID: 28933964)

Women's Health and Genetics/Laboratory Corporation of America, LabCorp
Classification: Pathogenic for Hereditary spastic paraplegia. Last evaluated: 2024-10-14. Review status: criteria provided, single submitter. Criteria: LabCorp Variant Classification Summary - May 2015. Collection method: clinical testing. Allele origin: germline.
Comment: Variant summary: SPG11 c.3662_3665delTCAA (p.Ile1221ArgfsX8) results in a premature termination codon, predicted to cause a truncation of the encoded protein or absence of the protein due to nonsense mediated decay, which are commonly known mechanisms for disease. The variant allele was found at a frequency of 8e-06 in 251394 control chromosomes. c.3662_3665delTCAA has been reported in the literature in individuals affected with Hereditary Spastic Paraplegia, Type 11 (Du_2017). To our knowledge, no experimental evidence demonstrating an impact on protein function has been reported. The following publication have been ascertained in the context of this evaluation (PMID: 28933964). ClinVar contains an entry for this variant (Variation ID: 2910374). Based on the evidence outlined above, the variant was classified as pathogenic.

Labcorp Genetics (formerly Invitae), Labcorp
Classification: Pathogenic for Hereditary spastic paraplegia 11. Last evaluated: 2024-02-03. Review status: criteria provided, single submitter. Criteria: Invitae Variant Classification Sherloc (09022015). Collection method: clinical testing. Allele origin: germline.
Comment: This sequence change creates a premature translational stop signal (p.Ile1221Argfs*8) in the SPG11 gene. It is expected to result in an absent or disrupted protein product. Loss-of-function variants in SPG11 are known to be pathogenic (PMID: 19105190, 20110243, 22154821, 26556829). This variant is present in population databases (no rsID available, gnomAD 0.003%). This premature translational stop signal has been observed in individual(s) with hereditary spastic paraplegia (PMID: 28933964). For these reasons, this variant has been classified as Pathogenic.

Literature cited by the submitters: PubMed 28933964 (cited by Women's Health and Genetics/Laboratory Corporation of America, LabCorp and Labcorp Genetics (formerly Invitae), Labcorp); PubMed 19105190 (cited by Labcorp Genetics (formerly Invitae), Labcorp); PubMed 20110243 (cited by Labcorp Genetics (formerly Invitae), Labcorp); PubMed 22154821 (cited by Labcorp Genetics (formerly Invitae), Labcorp); PubMed 26556829 (cited by Labcorp Genetics (formerly Invitae), Labcorp).